The following is an entry in ClinVar:

NM_001365276.2(TNXB):c.12426G>A (p.Ala4142=)

Genes: TNXB (tenascin XB; minus strand), LOC106780803 (tenascin XB recombination region; plus strand). Cytogenetic location: 6p21.33.
Variant type: single nucleotide variant.
Coding change: c.12426G>A on transcript NM_001365276.2 (MANE Select); coding-DNA position 12426, G replaced by A.
Protein change: p.Ala4142=; no amino-acid change (alanine 4142 retained).
Molecular consequence: synonymous variant.
Genome position (GRCh38, 1-based): chr6:32,042,055, C>T on the plus strand (G>A on the coding strand, the complement: TNXB is on the minus strand). VCF-style: chr6-32042055-C-T. GRCh37 (hg19) VCF-style: chr6-32009832-C-T.
Other names: p.Ala4140=; c.13167G>A, p.Ala4389= (NM_001428335.1); c.12420G>A, p.Ala4140= (NM_019105.8); c.1713G>A, p.Ala571= (NM_032470.4).
Identifiers: ClinVar variation 4684927 (VCV004684927.1).

ClinVar aggregate classification (germline): Likely benign (1 of 4 stars; one submission).

Submission:

Mayo Clinic Laboratories, Mayo Clinic
Classification: Likely benign. Last evaluated: 2025-11-09. Review status: criteria provided, single submitter. Criteria: ACMG Guidelines, 2015. Collection method: clinical testing. Allele origin: germline. Observed: 1 variant allele.
Comment: BP4, BP7